The following is an entry in ClinVar:

ClinVar aggregate classification (germline): Uncertain significance (1 of 4 stars; one submission).

Conditions:
Hypertrophic cardiomyopathy. Also called: HYPERTROPHIC MYOCARDIOPATHY. Identifiers: Orphanet 217569, MedGen C0007194, MeSH D002312, MONDO:0005045, HP:0001639.

Submission:

Labcorp Genetics (formerly Invitae), Labcorp
Classification: Uncertain significance for Hypertrophic cardiomyopathy. Last evaluated: 2022-11-18. Review status: criteria provided, single submitter. Criteria: Invitae Variant Classification Sherloc (09022015). Collection method: clinical testing. Allele origin: unknown.
Comment: In summary, the available evidence is currently insufficient to determine the role of this variant in disease. Therefore, it has been classified as a Variant of Uncertain Significance. Experimental studies and prediction algorithms are not available or were not evaluated, and the functional significance of this variant is currently unknown. This variant has not been reported in the literature in individuals affected with MYH7-related conditions. This variant results in a copy number gain of the genomic region encompassing exon(s) 27 of the MYH7 gene. While the exact position of this variant cannot be determined from the data, sub-genic copy number gains are generally in tandem (PMID: 25640679). This variant is predicted to be in-frame, and likely preserves the integrity of the reading frame.

Literature cited by the submitters: PubMed 25640679.

NC_000014.8:g.(?_23889034)_(23889463_?)dup

Gene: MYH7 (myosin heavy chain 7; minus strand). Cytogenetic location: 14q11.2.
Variant type: Duplication.
Identifiers: ClinVar variation 3243936 (VCV003243936.1).